The following is an entry in ClinVar:

NM_005732.4(RAD50):c.778C>A (p.His260Asn)

Gene: RAD50 (RAD50 double strand break repair protein; plus strand). Cytogenetic location: 5q31.1.
Variant type: single nucleotide variant.
Coding change: c.778C>A on transcript NM_005732.4 (MANE Select); coding-DNA position 778, C replaced by A.
Protein change: p.His260Asn; replaces histidine 260 with asparagine.
Molecular consequence: missense variant.
Genome position (GRCh38, 1-based): chr5:132,587,583, C>A. VCF-style: chr5-132587583-C-A. GRCh37 (hg19) VCF-style: chr5-131923275-C-A.
Other names: short protein forms H260N.
Identifiers: ClinVar variation 457490 (VCV000457490.14), dbSNP rs1554098158, ClinGen allele CA360940055.

ClinVar aggregate classification (germline): Uncertain significance. Review status: criteria provided, multiple submitters, no conflicts (2 of 4 stars). 2 submissions from 2 submitters: Uncertain significance (2). Last evaluated 2024-05-17.

Conditions:
Hereditary cancer-predisposing syndrome. Also called: Neoplastic Syndromes, Hereditary; Tumor predisposition; Hereditary Cancer Syndrome; Hereditary neoplastic syndrome. Identifiers: Orphanet 140162, MedGen C0027672, MeSH D009386, MONDO:0015356.

gnomAD v4.1: 1 of 1,612,984 alleles (0.000062%); no homozygotes.

Submissions (2):

Ambry Genetics
Classification: Uncertain significance for Hereditary cancer-predisposing syndrome. Last evaluated: 2024-05-17. Review status: criteria provided, single submitter. Criteria: Ambry Variant Classification Scheme 2023. Collection method: clinical testing. Allele origin: germline.
Comment: The p.H260N variant (also known as c.778C>A), located in coding exon 6 of the RAD50 gene, results from a C to A substitution at nucleotide position 778. The histidine at codon 260 is replaced by asparagine, an amino acid with similar properties. This amino acid position is poorly conserved in available vertebrate species. In addition, this alteration is predicted to be tolerated by in silico analysis. Since supporting evidence is limited at this time, the clinical significance of this alteration remains unclear.

Labcorp Genetics (formerly Invitae), Labcorp
Classification: Uncertain significance for Hereditary cancer-predisposing syndrome. Last evaluated: 2021-05-18. Review status: criteria provided, single submitter. Criteria: Invitae Variant Classification Sherloc (09022015). Collection method: clinical testing. Allele origin: germline.
Comment: This sequence change replaces histidine with asparagine at codon 260 of the RAD50 protein (p.His260Asn). The histidine residue is weakly conserved and there is a small physicochemical difference between histidine and asparagine. This variant is not present in population databases (ExAC no frequency) and has not been reported in the literature in individuals with a RAD50-related disease. Algorithms developed to predict the effect of missense changes on protein structure and function (SIFT, PolyPhen-2, Align-GVGD) all suggest that this variant is likely to be tolerated, but these predictions have not been confirmed by published functional studies. In summary, this variant is a novel missense change that is not predicted to affect protein function. There is no indication that it causes disease, but the available evidence is currently insufficient to prove that conclusively. Therefore, it has been classified as a Variant of Uncertain Significance.